The following is an entry in ClinVar:

ClinVar aggregate classification (germline): Uncertain significance (1 of 4 stars; one submission).

Conditions:
Marfan syndrome (MFS). Also called: MARFAN SYNDROME, TYPE I; Marfan syndrome type 1; Marfan's syndrome; Marfan syndrome, classic; FBN1-Related Marfan Syndrome. Identifiers: Orphanet 284963, Orphanet 558, MedGen C0024796, MONDO:0007947, OMIM 154700.
Familial thoracic aortic aneurysm and aortic dissection (TAAD). Also called: Thoracic aortic aneurysms and dissections. Identifiers: Orphanet 91387, MedGen C4707243, MONDO:0019625.

Submission:

Labcorp Genetics (formerly Invitae), Labcorp
Classification: Uncertain significance for Marfan syndrome; Familial thoracic aortic aneurysm and aortic dissection. Last evaluated: 2026-01-17. Review status: criteria provided, single submitter. Criteria: Invitae Variant Classification Sherloc (09022015). Collection method: clinical testing. Allele origin: germline.
Comment: This sequence change replaces asparagine, which is neutral and polar, with serine, which is neutral and polar, at codon 1949 of the FBN1 protein (p.Asn1949Ser). This variant is not present in population databases (gnomAD no frequency). This variant has not been reported in the literature in individuals affected with FBN1-related conditions. ClinVar contains an entry for this variant (Variation ID: 3754060). Invitae Evidence Modeling of protein sequence and biophysical properties (such as structural, functional, and spatial information, amino acid conservation, physicochemical variation, residue mobility, and thermodynamic stability) indicates that this missense variant is expected to disrupt FBN1 protein function with a positive predictive value of 95%. In summary, the available evidence is currently insufficient to determine the role of this variant in disease. Therefore, it has been classified as a Variant of Uncertain Significance.

NM_000138.5(FBN1):c.5846A>G (p.Asn1949Ser)

Gene: FBN1 (fibrillin 1; minus strand). Cytogenetic location: 15q21.1.
Variant type: single nucleotide variant.
Coding change: c.5846A>G on transcript NM_000138.5 (MANE Select); coding-DNA position 5846, A replaced by G.
Protein change: p.Asn1949Ser; replaces asparagine 1949 with serine.
Molecular consequence: missense variant.
Genome position (GRCh38, 1-based): chr15:48,445,447, T>C on the plus strand (A>G on the coding strand, the complement: FBN1 is on the minus strand). VCF-style: chr15-48445447-T-C. GRCh37 (hg19) VCF-style: chr15-48737644-T-C.
Other names: c.5846A>G, p.Asn1949Ser (NM_001406716.1); short protein forms N1949S.
Identifiers: ClinVar variation 3754060 (VCV003754060.2).
Genomic context (GRCh38, chr15:48,445,447, plus strand): 5'-CTCCCATCTGGAGCCACCTCATAGCCTTCATTGCACTGGCACTGGAAAGACCCCACTGTA[T>C]TAATGCATTGGCCATTTCTGCAAAGATTCCCATTTCCACTTGCACATTCATCAACATCTG-3'
Protein context (NP_000129.3, residues 1939-1959): GNLCRNGQCI[Asn1949Ser]TVGSFQCQCN